The following is an entry in ClinVar:

ClinVar aggregate classification (germline): Conflicting classifications of pathogenicity. Review status: criteria provided, conflicting classifications (1 of 4 stars). 3 submissions from 3 submitters: Likely pathogenic (1); Uncertain significance (2). Last evaluated 2025-12-09.

Conditions:
Interstitial lung disease due to ABCA3 deficiency. Also called: PULMONARY ALVEOLAR PROTEINOSIS, CONGENITAL, 3. Identifiers: Orphanet 440402, MedGen C1970456, MONDO:0012582, OMIM 610921.
Hereditary pulmonary alveolar proteinosis. Also called: Pulmonary surfactant metabolism dysfunction. Identifiers: Orphanet 264675, MedGen C3711368, MONDO:0012580.

Allele frequency attached by ClinVar (database versions not stated): gnomAD 0.00001; TOPMed 0.00002; gnomAD exomes below 0.00001.
gnomAD v4.1: 6 of 1,613,308 alleles (0.00037%); highest among the groups gnomAD compares: African/African-American, 0.0013%; no homozygotes.

Submissions (3):

Myriad Genetics, Inc.
Classification: Uncertain significance for Interstitial lung disease due to ABCA3 deficiency. Last evaluated: 2025-12-09. Review status: criteria provided, single submitter. Criteria: Myriad Autosomal Dominant, Autosomal Recessive and X-Linked Classification Criteria (2023). Collection method: clinical testing. Allele origin: unknown.
Comment: NM_001089.2(ABCA3):c.3973G>A(E1325K) is a missense variant classified as a variant of uncertain significance in the context of surfactant deficiency, ABCA3-related. E1325K has been observed in a case with relevant disease (PMID: 22337229). Relevant functional assessments of this variant are not available in the literature. E1325K has not been observed in referenced population frequency databases. In summary, there is insufficient evidence to classify NM_001089.2(ABCA3):c.3973G>A(E1325K) as pathogenic or benign. Please note: this variant was assessed in the context of healthy population screening.

Johns Hopkins Genomics, Johns Hopkins University
Classification: Likely pathogenic for Interstitial lung disease due to ABCA3 deficiency. Last evaluated: 2019-09-05. Review status: criteria provided, single submitter. Criteria: ACMG Guidelines, 2015. Collection method: clinical testing. Allele origin: germline.
Comment: This ABCA3 variant (rs973835010) is absent from large population datasets. ABCA3 c.3973G>A has not been reported in ClinVar, to our knowledge. Two bioinformatic tools queried predict that this substitution would be damaging, and the glutamic acid residue at this position is highly evolutionarily conserved across all species assessed except lamprey. This variant has been previously reported in two siblings who presented with a disorder of surfactant metabolism. This variant is considered likely pathogenic.

Ambry Genetics
Classification: Uncertain significance for Hereditary pulmonary alveolar proteinosis. Last evaluated: 2017-07-03. Review status: criteria provided, single submitter. Criteria: Ambry Variant Classification Scheme 2023. Collection method: clinical testing. Allele origin: germline.
Comment: The p.E1325K variant (also known as c.3973G>A), located in coding exon 23 of the ABCA3 gene, results from a G to A substitution at nucleotide position 3973. This variant was identified in two infant with respiratory distress syndrome who died; a second ABCA3 alteration was not detected (Agrawal A et al. Pediatr. Res., 2012 Jun;71:633-7). The glutamic acid at codon 1325 is replaced by lysine, an amino acid with similar properties. This amino acid position is highly conserved in available vertebrate species. In addition, this alteration is predicted to be deleterious by in silico analysis. Based on available evidence to date, the clinical significance of this alteration remains unclear.

Literature cited by the submitters: PubMed 22337229 (cited by Myriad Genetics, Inc. and Ambry Genetics).

NM_001089.3(ABCA3):c.3973G>A (p.Glu1325Lys)

Gene: ABCA3 (ATP binding cassette subfamily A member 3; minus strand). Cytogenetic location: 16p13.3.
Variant type: single nucleotide variant.
Coding change: c.3973G>A on transcript NM_001089.3 (MANE Select); coding-DNA position 3973, G replaced by A.
Protein change: p.Glu1325Lys; replaces glutamic acid 1325 with lysine.
Molecular consequence: missense variant.
Genome position (GRCh38, 1-based): chr16:2,283,248, C>T on the plus strand (G>A on the coding strand, the complement: ABCA3 is on the minus strand). VCF-style: chr16-2283248-C-T. GRCh37 (hg19) VCF-style: chr16-2333249-C-T.
Other names: c.3973G>A (NM_001089.2); short protein forms E1325K.
Identifiers: ClinVar variation 816667 (VCV000816667.4), dbSNP rs973835010, ClinGen allele CA276821836.